The following is an entry in ClinVar:

NM_015443.4(KANSL1):c.2540C>T (p.Ser847Leu)

Gene: KANSL1 (KAT8 regulatory NSL complex subunit 1). Cytogenetic location: 17q21.31.
Variant type: single nucleotide variant.
Coding change: c.2540C>T on transcript NM_015443.4 (MANE Select); coding-DNA position 2540, C replaced by T.
Protein change: p.Ser847Leu; replaces serine 847 with leucine.
Molecular consequence: missense variant.
Genome position (GRCh38, 1-based): chr17:46,038,539, G>A on the plus strand (C>T on the coding strand, the complement: KANSL1 is on the minus strand). VCF-style: chr17-46038539-G-A. GRCh37 (hg19) VCF-style: chr17-44115905-G-A.
Other names: c.2540C>T, p.Ser847Leu (NM_001405873.1, NM_001405874.1, NM_001193465.2 and 8 more transcripts); c.2351C>T, p.Ser784Leu (NM_001405875.1, NM_001405876.1, NM_001405877.1 and 3 more transcripts); c.2438C>T, p.Ser813Leu (NM_001405859.1, NM_001405860.1, NM_001405861.1 and 1 more transcripts); c.1274C>T, p.Ser425Leu (NM_001405882.1, NM_001405883.1); c.1085C>T, p.Ser362Leu (NM_001405884.1, NM_001405885.1); short protein forms S784L, S362L, S425L, S813L, S847L.
Identifiers: ClinVar variation 2149252 (VCV002149252.5), dbSNP rs754964384, ClinGen allele CA8618543.

ClinVar aggregate classification (germline): Uncertain significance. Review status: criteria provided, multiple submitters, no conflicts (2 of 4 stars). 2 submissions from 2 submitters: Uncertain significance (2). Last evaluated 2024-06-17.

Conditions:
Koolen-de Vries syndrome (KDVS). Identifiers: Orphanet 96169, MedGen C1864871, MONDO:0012496, OMIM 610443.

Allele frequency attached by ClinVar (database versions not stated): TOPMed below 0.00001; gnomAD 0.00001; gnomAD exomes 0.00001; ExAC 0.00002.
gnomAD v4.1: 12 of 1,613,838 alleles (0.00074%); highest among the groups gnomAD compares: Admixed American, 0.0033%; no homozygotes.

Submissions (2):

Fulgent Genetics
Classification: Uncertain significance for Koolen-de Vries syndrome. Last evaluated: 2024-06-17. Review status: criteria provided, single submitter. Criteria: ACMG Guidelines, 2015. Collection method: clinical testing. Allele origin: germline.

Labcorp Genetics (formerly Invitae), Labcorp
Classification: Uncertain significance for Koolen-de Vries syndrome. Last evaluated: 2023-10-03. Review status: criteria provided, single submitter. Criteria: Invitae Variant Classification Sherloc (09022015). Collection method: clinical testing. Allele origin: germline.
Comment: This sequence change replaces serine, which is neutral and polar, with leucine, which is neutral and non-polar, at codon 847 of the KANSL1 protein (p.Ser847Leu). This variant is present in population databases (rs754964384, gnomAD 0.006%). This variant has not been reported in the literature in individuals affected with KANSL1-related conditions. ClinVar contains an entry for this variant (Variation ID: 2149252). An algorithm developed to predict the effect of missense changes on protein structure and function (PolyPhen-2) suggests that this variant is likely to be tolerated. In summary, the available evidence is currently insufficient to determine the role of this variant in disease. Therefore, it has been classified as a Variant of Uncertain Significance.